The following is an entry in ClinVar:

ClinVar aggregate classification (germline): Uncertain significance (1 of 4 stars; one submission).

Conditions:
Early-infantile DEE. Also called: Ohtahara syndrome; Early infantile epileptic encephalopathy with suppression bursts; Early infantile epileptic encephalopathy. Identifiers: Orphanet 1934, MedGen C0393706, MONDO:0800491.

gnomAD v4.1: 2 of 1,613,966 alleles (0.00012%); highest among the groups gnomAD compares: African/African-American, 0.0013%; no homozygotes.

Submission:

Labcorp Genetics (formerly Invitae), Labcorp
Classification: Uncertain significance for Early-infantile DEE. Last evaluated: 2024-05-21. Review status: criteria provided, single submitter. Criteria: Invitae Variant Classification Sherloc (09022015). Collection method: clinical testing. Allele origin: germline.
Comment: This sequence change replaces alanine, which is neutral and non-polar, with proline, which is neutral and non-polar, at codon 905 of the KCNH5 protein (p.Ala905Pro). This variant is not present in population databases (gnomAD no frequency). This variant has not been reported in the literature in individuals affected with KCNH5-related conditions. Advanced modeling of protein sequence and biophysical properties (such as structural, functional, and spatial information, amino acid conservation, physicochemical variation, residue mobility, and thermodynamic stability) performed at Invitae indicates that this missense variant is not expected to disrupt KCNH5 protein function with a negative predictive value of 95%. In summary, the available evidence is currently insufficient to determine the role of this variant in disease. Therefore, it has been classified as a Variant of Uncertain Significance.

NM_139318.5(KCNH5):c.2713G>C (p.Ala905Pro)

Gene: KCNH5 (potassium voltage-gated channel subfamily H member 5; minus strand). Cytogenetic location: 14q23.2.
Variant type: single nucleotide variant.
Coding change: c.2713G>C on transcript NM_139318.5 (MANE Select); coding-DNA position 2713, G replaced by C.
Protein change: p.Ala905Pro; replaces alanine 905 with proline.
Molecular consequence: missense variant. On other transcripts: 3 prime UTR variant (1).
Genome position (GRCh38, 1-based): chr14:62,707,762, C>G on the plus strand (G>C on the coding strand, the complement: KCNH5 is on the minus strand). VCF-style: chr14-62707762-C-G. GRCh37 (hg19) VCF-style: chr14-63174480-C-G.
Other names: c.*680G>C (NM_172375.3); short protein forms A905P.
Identifiers: ClinVar variation 3681401 (VCV003681401.2).
Genomic context (GRCh38, chr14:62,707,762, plus strand): 5'-TGAGCAGCTGGATGTCCTCTTTGAGTTCGTGTTTGACTTCCTGCAGTGTGGTCTGTAAGG[C>G]CTGCTCGGGGATGGGATAAAAGGGGTGCTTGGCATCAGCCTGGATGGGACTGTGCTCTAG-3'
Protein context (NP_647479.2, residues 895-915): KHPFYPIPEQ[Ala905Pro]LQTTLQEVKH